The following is an entry in ClinVar:

ClinVar aggregate classification (germline): Benign/Likely benign. Review status: criteria provided, multiple submitters, no conflicts (2 of 4 stars). 13 submissions from 13 submitters: Benign (4); Likely benign (6). 3 of the submissions do not count toward it. Last evaluated 2026-02-01.

Conditions:
Familial thoracic aortic aneurysm and aortic dissection (TAAD). Also called: Thoracic aortic aneurysms and dissections. Identifiers: Orphanet 91387, MedGen C4707243, MONDO:0019625.
Classic homocystinuria. Also called: Homocystinuria due to Cystathionine Beta-Synthase Deficiency; Homocystinuria due to CBS deficiency; Cystathionine beta-synthase deficiency; CBS deficiency; HOMOCYSTINURIA WITH OR WITHOUT RESPONSE TO PYRIDOXINE. Identifiers: Orphanet 394, MedGen C0751202, MONDO:0009352, OMIM 236200.
HYPERHOMOCYSTEINEMIA, THROMBOTIC, CBS-RELATED. Identifiers: MedGen C3150344, OMIM 236200.

Allele frequency attached by ClinVar (database versions not stated): ESP Exome Variant Server 0.00015; ExAC 0.00086; gnomAD exomes 0.00086; 1000 Genomes Project 0.00260.

Submissions (13):

Labcorp Genetics (formerly Invitae), Labcorp
Classification: Benign for HYPERHOMOCYSTEINEMIA, THROMBOTIC, CBS-RELATED. Last evaluated: 2026-02-01. Review status: criteria provided, single submitter. Criteria: Invitae Variant Classification Sherloc (09022015). Collection method: clinical testing. Allele origin: germline.

Mayo Clinic Laboratories, Mayo Clinic
Classification: Likely benign. Last evaluated: 2025-10-03. Review status: criteria provided, single submitter. Criteria: ACMG Guidelines, 2015. Collection method: clinical testing. Allele origin: germline. Observed: 3 variant alleles.
Comment: BS1, BS3_supporting, BP4

Women's Health and Genetics/Laboratory Corporation of America, LabCorp
Classification: Likely benign. Last evaluated: 2025-04-18. Review status: criteria provided, single submitter. Criteria: LabCorp Variant Classification Summary - May 2015. Collection method: clinical testing. Allele origin: germline.
Comment: Variant summary: CBS c.52C>T (p.Arg18Cys) results in a non-conservative amino acid change in the encoded protein sequence. Three of five in-silico tools predict a benign effect of the variant on protein function. The variant allele was found at a frequency of 0.00086 in 244976 control chromosomes, predominantly at a frequency of 0.011 within the East Asian subpopulation in the gnomAD database. The observed variant frequency within East Asian control individuals in the gnomAD database is approximately 3.62 fold of the estimated maximal expected allele frequency for a pathogenic variant in CBS causing Homocystinuria phenotype (0.003). To our knowledge, no occurrence of c.52C>T in individuals affected with Homocystinuria and no experimental evidence demonstrating its impact on protein function have been reported. ClinVar contains an entry for this variant (Variation ID: 263858). Based on the evidence outlined above, the variant was classified as likely benign.

Molecular Diagnostic Laboratory for Inherited Cardiovascular Disease, Montreal Heart Institute
Classification: Likely benign. Last evaluated: 2025-04-09. Review status: criteria provided, single submitter. Criteria: ACMG Guidelines, 2015. Collection method: clinical testing. Allele origin: germline. Affected: no.
Comment: BS1;BP4;BP6

Blueprint Genetics
Classification: Likely benign. Last evaluated: 2024-08-01. Review status: criteria provided, single submitter. Criteria: ACMG Guidelines, 2015. Collection method: clinical testing. Allele origin: germline.

GeneDx
Classification: Benign. Last evaluated: 2020-10-29. Review status: criteria provided, single submitter. Criteria: GeneDx Variant Classification Process June 2021. Collection method: clinical testing. Allele origin: germline. Affected: yes.
Comment: This variant is associated with the following publications: (PMID: 23685761, 16205833, 21240075)

Ambry Genetics
Classification: Benign for Familial thoracic aortic aneurysm and aortic dissection. Last evaluated: 2019-05-07. Review status: criteria provided, single submitter. Criteria: Ambry Variant Classification Scheme 2023. Collection method: clinical testing. Allele origin: germline.

SIB Swiss Institute of Bioinformatics
Classification: Likely benign for Classic homocystinuria. Last evaluated: 2018-05-31. Review status: criteria provided, single submitter. Criteria: ACMG Guidelines, 2015. Collection method: curation. Allele origin: unknown.
Comment: This variant is interpreted as a Likely Benign, for Cystathionine beta-synthase deficiency, in Autosomal Recessive manner. The following ACMG Tag(s) were applied: BS1 => Allele frequency is greater than expected for disorder (PMID:16205833). BP2 => Observed in trans with a pathogenic variant for a fully penetrant dominant gene/disorder or observed in cis with a pathogenic variant in any inheritance pattern (PMID:16205833). BS3-Supporting => BS3 downgraded in strength to supporting (PMID:16205833). BP4 => Multiple lines of computational evidence suggest no impact on gene or gene product (conservation, evolutionary, splicing impact, etc.).

Illumina Laboratory Services, Illumina
Classification: Likely benign for Classic homocystinuria. Last evaluated: 2017-04-27. Review status: criteria provided, single submitter. Criteria: ICSL Variant Classification Criteria 13 December 2019. Collection method: clinical testing. Allele origin: germline.
Comment: This variant was observed as part of a predisposition screen in an ostensibly healthy population. A literature search was performed for the gene, cDNA change, and amino acid change (where applicable). Publications were found based on this search. The evidence from the literature, in combination with allele frequency data from public databases where available, was sufficient to determine this variant is unlikely to cause disease. Therefore, this variant is classified as likely benign.

Eurofins Ntd Llc (ga)
Classification: Benign. Last evaluated: 2016-03-14. Review status: criteria provided, single submitter. Criteria: EGL Classification Definitions 2015. Collection method: clinical testing. Allele origin: germline. Observed: 1 variant allele, 1 heterozygote.

Clinical Genetics DNA and cytogenetics Diagnostics Lab, Erasmus MC, Erasmus Medical Center
Classification: Benign. Review status: no assertion criteria provided. Collection method: clinical testing. Allele origin: germline. Affected: yes. Study: VKGL Data-share Consensus. Not counted in ClinVar's aggregate classification.

Genome Diagnostics Laboratory, University Medical Center Utrecht
Classification: Benign. Review status: no assertion criteria provided. Collection method: clinical testing. Allele origin: germline. Affected: yes. Study: VKGL Data-share Consensus. Not counted in ClinVar's aggregate classification.

Laboratory of Diagnostic Genome Analysis, Leiden University Medical Center (LUMC)
Classification: Likely benign. Review status: no assertion criteria provided. Collection method: clinical testing. Allele origin: germline. Affected: yes. Study: VKGL Data-share Consensus. Not counted in ClinVar's aggregate classification.

Literature cited by the submitters: PubMed 16205833 (cited by 3 submitters); PubMed 21240075 (cited by Illumina Laboratory Services, Illumina).

NM_000071.3(CBS):c.52C>T (p.Arg18Cys)

Gene: CBS (cystathionine beta-synthase; minus strand). Cytogenetic location: 21q22.3.
Variant type: single nucleotide variant.
Coding change: c.52C>T on transcript NM_000071.3 (MANE Select); coding-DNA position 52, C replaced by T.
Protein change: p.Arg18Cys; replaces arginine 18 with cysteine.
Molecular consequence: missense variant.
Genome position (GRCh38, 1-based): chr21:43,072,142, G>A on the plus strand (C>T on the coding strand, the complement: CBS is on the minus strand). VCF-style: chr21-43072142-G-A. GRCh37 (hg19) VCF-style: chr21-44492252-G-A.
Other names: NM_000071.2(CBS):c.52C>T(p.Arg18Cys); NM_001178008.1(CBS):c.52C>T(p.Arg18Cys); NM_001178009.1(CBS):c.52C>T(p.Arg18Cys); c.52C>T, p.Arg18Cys (NM_001178008.3, NM_001178009.3, NM_001320298.2); short protein forms R18C.
Identifiers: ClinVar variation 263858 (VCV000263858.31), dbSNP rs201827340, ClinGen allele CA10587951.